The following is an entry in ClinVar:

ClinVar aggregate classification (germline): Pathogenic. Review status: criteria provided, multiple submitters, no conflicts (2 of 4 stars). 13 submissions from 13 submitters: Pathogenic (10). 3 of the submissions do not count toward it. Last evaluated 2026-09-26.

Conditions:
DDX11-related disorders.
DDX11-related condition.
Warsaw breakage syndrome (WABS). Also called: DDX11-Related Cohesinopathy. Identifiers: Orphanet 280558, MedGen C3150658, MONDO:0013252, OMIM 613398.

Allele frequency attached by ClinVar (database versions not stated): gnomAD exomes 0.00018 and 0.00041; TOPMed 0.00022; gnomAD 0.00023 and 0.00024; ExAC 0.00027; ESP Exome Variant Server 0.00038.
gnomAD v4.1: 335 of 1,611,302 alleles (0.021%); highest among the groups gnomAD compares: Non-Finnish European, 0.0051%; no homozygotes.

Submissions (17):

PreventionGenetics, part of Exact Sciences
Classification: Pathogenic for DDX11-related condition. Last evaluated: 2026-09-26. Review status: criteria provided, single submitter. Criteria: ACMG Guidelines, 2015. Collection method: clinical testing. Allele origin: germline.
Comment: The DDX11 c.1763-1G>C variant is predicted to disrupt the AG splice acceptor site and interfere with normal splicing. This variant has been reported in the homozygous state in three unrelated patients with Warsaw breakage syndrome and functional studies confirmed this variant disrupts normal splicing (Rabin et al. 2019. PubMed ID: 31287223; Table S1, Baker et al. 2019. PubMed ID: 30577886). This variant has been reported to have a high carrier frequency in the Ashkenazi Jewish population (Rabin et al. 2019. PubMed ID: 31287223) and has been described as an Ashkenazi Jewish founder variant (Einhorn et al. 2023. PubMed ID: 36978159). This variant is classified as pathogenic.

Labcorp Genetics (formerly Invitae), Labcorp
Classification: Pathogenic. Last evaluated: 2026-01-14. Review status: criteria provided, single submitter. Criteria: Invitae Variant Classification Sherloc (09022015). Collection method: clinical testing. Allele origin: germline.
Comment: This sequence change affects an acceptor splice site in intron 17 of the DDX11 gene. RNA analysis indicates that disruption of this splice site induces altered splicing and may result in an absent or altered protein product. This variant is present in population databases (rs148856317, gnomAD 0.9%). Disruption of this splice site has been observed in individual(s) with Warsaw breakage syndrome (PMID: 31287223, 32855419). It is commonly reported in individuals of Ashkenazi Jewish ancestry (PMID: 31287223). ClinVar contains an entry for this variant (Variation ID: 252749). Studies have shown that disruption of this splice site results in skipping of the first 4 nucleotides of exon 18, and produces a non-functional protein and/or introduces a premature termination codon (PMID: 31287223). For these reasons, this variant has been classified as Pathogenic.

Variantyx, Inc.
Classification: Pathogenic for Warsaw breakage syndrome. Last evaluated: 2025-03-07. Review status: criteria provided, single submitter. Criteria: Variantyx Assertion Criteria 2022. Collection method: clinical testing. Allele origin: germline.
Comment: This is a canonical splicing variant in the DDX11 gene (OMIM: 601150). Pathogenic variants in this gene have been associated with autosomal recessive Warsaw breakage syndrome. This splicing variant is expected to result in loss of function, which is a known disease mechanism for DDX11 in this disorder (PMID: 31169992) (PVS1). This variant has been identified in the homozygous and compound heterozygous states in affected individuals from the published literature (PMID: 31287223, 32855419, 33249554) (PM3). This variant has a 0.0051% maximum allele frequency in non-founder control populations (PM2_Supporting). However, the variant is reported to have a maximum allele frequency in the Ashkenazi Jewish population as high as 1.47%, likely representing a founder mutation in that population (PMID: 31287223). Based on the current evidence, this variant is classified as pathogenic for autosomal recessive Warsaw breakage syndrome.

Laboratory of Genetics, Children's Clinical University Hospital Latvia
Classification: Pathogenic. Last evaluated: 2025-02-16. Review status: criteria provided, single submitter. Criteria: ACMG Guidelines, 2015. Collection method: clinical testing. Allele origin: germline. Affected: yes.

GeneDx
Classification: Pathogenic. Last evaluated: 2024-10-15. Review status: criteria provided, single submitter. Criteria: GeneDx Variant Classification Process June 2021. Collection method: clinical testing. Allele origin: germline. Affected: yes.
Comment: mRNA studies demonstrate evidence of alternative splicing with the use of a cryptic splice acceptor site resulting in a frameshift in exon 18 (PMID: 31287223); Canonical splice site variant predicted to result in a null allele in a gene for which loss-of-function is a known mechanism of disease; This variant is associated with the following publications: (PMID: 33249554, 26689913, 30577886, 31824187, 34426522, 31287223, 36978159, 32855419, 33591602, 35032046)

Blueprint Genetics
Classification: Pathogenic for DDX11-related disorders. Last evaluated: 2024-04-19. Review status: criteria provided, single submitter. Criteria: ACMG Guidelines, 2015. Collection method: clinical testing. Allele origin: germline. Affected: yes. Observed: 5 variant alleles.

Fulgent Genetics
Classification: Pathogenic for Warsaw breakage syndrome. Last evaluated: 2024-04-11. Review status: criteria provided, single submitter. Criteria: ACMG Guidelines, 2015. Collection method: clinical testing. Allele origin: germline.

Duke University Health System Sequencing Clinic, Duke University Health System
Classification: Pathogenic for Warsaw breakage syndrome. Last evaluated: 2023-04-20. Review status: criteria provided, single submitter. Criteria: ACMG Guidelines, 2015. Collection method: research. Allele origin: paternal. Affected: yes.

Department of Pathology and Laboratory Medicine, Sinai Health System
Classification: Pathogenic for Warsaw breakage syndrome. Last evaluated: 2023-01-04. Review status: criteria provided, single submitter. Criteria: ACMG Guidelines, 2015. Collection method: research. Allele origin: germline.

Genomic Diagnostic Laboratory, Division of Genomic Diagnostics, Children's Hospital of Philadelphia
Classification: Pathogenic. Last evaluated: 2015-10-11. Review status: criteria provided, single submitter. Criteria: DGD Variant Analysis Guidelines. Collection method: clinical testing. Allele origin: unknown.

Reproductive Health Research and Development, BGI Genomics
Classification: Likely pathogenic for Warsaw breakage syndrome. Last evaluated: 2020-01-06. Review status: no assertion criteria provided. Collection method: curation. Allele origin: germline. Not counted in ClinVar's aggregate classification.
Comment: NG_023352.1(NM_030653.3):c.1763-1G>C in the DDX11 gene has an allele frequency of 0.008 in Ashkenazi Jewish subpopulation in the gnomAD database.This variant is predicted to cause abnormal gene splicing, either leading to an abnormal message that is subject to nonsense-mediated mRNA decay or to an abnormal protein product if the message is used for protein translation. Taken together, we interprete this variant as Pathogenic/Likely pathogenic. ACMG/AMP criteria applied: PVS1; PM2.

Clinical Genetics DNA and cytogenetics Diagnostics Lab, Erasmus MC, Erasmus Medical Center
Classification: Likely pathogenic. Review status: no assertion criteria provided. Collection method: clinical testing. Allele origin: germline. Affected: yes. Study: VKGL Data-share Consensus. Not counted in ClinVar's aggregate classification.

Dr. Peter K. Rogan Lab, Western University
No classification provided (evidence only). Condition: Clear cell carcinoma of kidney. Review status: no classification provided. Collection method: in vitro. Allele origin: not applicable. Functional consequence: cryptic splice site, retained intron. Not counted in ClinVar's aggregate classification.

Dr. Peter K. Rogan Lab, Western University
No classification provided (evidence only). Condition: Clear cell carcinoma of kidney. Review status: no classification provided. Collection method: in vitro. Allele origin: not applicable. Functional consequence: cryptic splice site. Not counted in ClinVar's aggregate classification.

Dr. Peter K. Rogan Lab, Western University
No classification provided (evidence only). Condition: Sarcoma. Review status: no classification provided. Collection method: in vitro. Allele origin: not applicable. Functional consequence: cryptic splice site, retained intron. Not counted in ClinVar's aggregate classification.

Dr. Peter K. Rogan Lab, Western University
No classification provided (evidence only). Condition: Uterine carcinosarcoma. Review status: no classification provided. Collection method: in vitro. Allele origin: not applicable. Functional consequence: cryptic splice site, retained intron. Not counted in ClinVar's aggregate classification.

Genome Diagnostics Laboratory, University Medical Center Utrecht
Classification: Pathogenic. Review status: no assertion criteria provided. Collection method: clinical testing. Allele origin: germline. Affected: yes. Study: VKGL Data-share Consensus. Not counted in ClinVar's aggregate classification.

Literature cited by the submitters: PubMed 31287223 (cited by Labcorp Genetics (formerly Invitae), Labcorp); PubMed 32855419 (cited by Labcorp Genetics (formerly Invitae), Labcorp).

NM_030653.4(DDX11):c.1763-1G>C

Gene: DDX11 (DEAD/H-box helicase 11; plus strand). Cytogenetic location: 12p11.21.
Variant type: single nucleotide variant.
Coding change: c.1763-1G>C on transcript NM_030653.4 (MANE Select); the canonical splice acceptor site of the intron before coding-DNA position 1763, G replaced by C.
Molecular consequence: splice acceptor variant.
Genome position (GRCh38, 1-based): chr12:31,097,884, G>C. VCF-style: chr12-31097884-G-C. GRCh37 (hg19) VCF-style: chr12-31250818-G-C.
Other names: c.1763-1G>C (NM_001413693.1, NM_152438.2, NM_004399.3 and 5 more transcripts); c.902-1G>C (NM_001413705.1, NM_001413704.1); c.797-1G>C (NM_001413706.1); c.1676-1G>C (NM_001413700.1); c.1235-1G>C (NM_001413702.1, NM_001413703.1); c.1685-1G>C (NM_001413697.1, NM_001413699.1, NM_001257145.2 and 1 more transcripts).
Identifiers: ClinVar variation 252749 (VCV000252749.26), dbSNP rs148856317, ClinGen allele CA6501496.